The following is an entry in ClinVar:

ClinVar aggregate classification (germline): Uncertain significance (1 of 4 stars; one submission).

Conditions:
Immunodeficiency-centromeric instability-facial anomalies syndrome 2 (ICF2). Identifiers: Orphanet 2268, MedGen C3279748, MONDO:0013553, OMIM 614069.

Allele frequency attached by ClinVar (database versions not stated): TOPMed 0.00005.
gnomAD v4.1: 41 of 1,614,106 alleles (0.0025%); highest among the groups gnomAD compares: Admixed American, 0.028%; no homozygotes.

Submission:

Labcorp Genetics (formerly Invitae), Labcorp
Classification: Uncertain significance for Immunodeficiency-centromeric instability-facial anomalies syndrome 2. Last evaluated: 2022-09-19. Review status: criteria provided, single submitter. Criteria: Invitae Variant Classification Sherloc (09022015). Collection method: clinical testing. Allele origin: germline.
Comment: This sequence change replaces arginine, which is basic and polar, with serine, which is neutral and polar, at codon 285 of the ZBTB24 protein (p.Arg285Ser). This variant is present in population databases (rs143216162, gnomAD 0.03%). This variant has not been reported in the literature in individuals affected with ZBTB24-related conditions. ClinVar contains an entry for this variant (Variation ID: 849183). Algorithms developed to predict the effect of missense changes on protein structure and function are either unavailable or do not agree on the potential impact of this missense change (SIFT: "Not Available"; PolyPhen-2: "Benign"; Align-GVGD: "Not Available"). In summary, the available evidence is currently insufficient to determine the role of this variant in disease. Therefore, it has been classified as a Variant of Uncertain Significance.

NM_014797.3(ZBTB24):c.855G>T (p.Arg285Ser)

Gene: ZBTB24 (zinc finger and BTB domain containing 24; minus strand). Cytogenetic location: 6q21.
Variant type: single nucleotide variant.
Coding change: c.855G>T on transcript NM_014797.3 (MANE Select); coding-DNA position 855, G replaced by T.
Protein change: p.Arg285Ser; replaces arginine 285 with serine.
Molecular consequence: missense variant.
Genome position (GRCh38, 1-based): chr6:109,481,172, C>A on the plus strand (G>T on the coding strand, the complement: ZBTB24 is on the minus strand). VCF-style: chr6-109481172-C-A. GRCh37 (hg19) VCF-style: chr6-109802375-C-A.
Other names: c.855G>T, p.Arg285Ser (NM_001164313.2); short protein forms R285S.
Identifiers: ClinVar variation 849183 (VCV000849183.6), dbSNP rs143216162, ClinGen allele CA3954271.